The following is an entry in ClinVar:

NM_005562.3(LAMC2):c.1326_1327insAGAATGTCAAA (p.Ala443fs)

Gene: LAMC2 (laminin subunit gamma 2; plus strand). Cytogenetic location: 1q25.3.
Variant type: Insertion.
Coding change: c.1326_1327insAGAATGTCAAA on transcript NM_005562.3 (MANE Select); coding-DNA positions 1326 to 1327, AGAATGTCAAA inserted.
Protein change: p.Ala443fs; shifts the reading frame from alanine 443.
Molecular consequence: frameshift variant.
Genome position: GRCh38 VCF-style: chr1-183227555-T-TAGAATGTCAAA. GRCh37 (hg19) VCF-style: chr1-183196690-T-TAGAATGTCAAA.
Other names: c.1326_1327insAGAATGTCAAA, p.Ala443fs (NM_018891.3); short protein forms A443fs.
Identifiers: ClinVar variation 1726963 (VCV001726963.2), dbSNP rs2526064853, ClinGen allele CA2580061626.

ClinVar aggregate classification (germline): Likely pathogenic (1 of 4 stars; one submission).

Conditions:
Junctional epidermolysis bullosa gravis of Herlitz. Also called: Herlitz-type junctional epidermolysis bullosa; EPIDERMOLYSIS BULLOSA, JUNCTIONAL 1B, SEVERE; EPIDERMOLYSIS BULLOSA JUNCTIONALIS, HERLITZ TYPE; EPIDERMOLYSIS BULLOSA, JUNCTIONAL, HERLITZ-PEARSON TYPE; JEB-HERLITZ TYPE; Epidermolysis Bullosa Letalis. Identifiers: Orphanet 79404, MedGen C0079683, MONDO:0009182, OMIM 226700.

Submission:

Myriad Genetics, Inc.
Classification: Likely pathogenic for Junctional epidermolysis bullosa gravis of Herlitz. Last evaluated: 2022-01-02. Review status: criteria provided, single submitter. Criteria: Myriad Women's Health Autosomal Recessive and X-Linked Classification Criteria (2021). Collection method: clinical testing. Allele origin: unknown.
Comment: NM_005562.2(LAMC2):c.1326_1327ins11(A443Rfs*34) is expected to be pathogenic in the context of junctional epidermolysis bullosa, LAMC2-related. This variant is predicted to lead to an abnormal or absent protein product due to the creation of a premature termination codon in LAMC2, a gene where loss-of-function variants are known to be pathogenic. Please note: this variant was assessed in the context of healthy population screening.